The following is an entry in ClinVar:

ClinVar aggregate classification (germline): Uncertain significance. Review status: criteria provided, multiple submitters, no conflicts (2 of 4 stars). 2 submissions from 2 submitters: Uncertain significance (2). Last evaluated 2025-10-15.

Conditions:
FG syndrome (FGS). Identifiers: MedGen C0220769, MONDO:0002010.

Allele frequency attached by ClinVar (database versions not stated): TOPMed below 0.00001; gnomAD 0.00001; gnomAD exomes 0.00001.
gnomAD v4.1: 7 of 1,209,911 alleles (0.00058%); highest among the groups gnomAD compares: Non-Finnish European, 0.00078%; no homozygotes.

Submissions (2):

Labcorp Genetics (formerly Invitae), Labcorp
Classification: Uncertain significance for FG syndrome. Last evaluated: 2025-10-15. Review status: criteria provided, single submitter. Criteria: Invitae Variant Classification Sherloc (09022015). Collection method: clinical testing. Allele origin: germline.
Comment: This sequence change replaces leucine, which is neutral and non-polar, with phenylalanine, which is neutral and non-polar, at codon 273 of the MED12 protein (p.Leu273Phe). This variant is present in population databases (no rsID available, gnomAD 0.001%), including at least one homozygous and/or hemizygous individual. This variant has not been reported in the literature in individuals affected with MED12-related conditions. ClinVar contains an entry for this variant (Variation ID: 654606). Invitae Evidence Modeling of protein sequence and biophysical properties (such as structural, functional, and spatial information, amino acid conservation, physicochemical variation, residue mobility, and thermodynamic stability) indicates that this missense variant is expected to disrupt MED12 protein function with a positive predictive value of 80%. In summary, the available evidence is currently insufficient to determine the role of this variant in disease. Therefore, it has been classified as a Variant of Uncertain Significance.

GeneDx
Classification: Uncertain significance. Last evaluated: 2024-01-30. Review status: criteria provided, single submitter. Criteria: GeneDx Variant Classification Process June 2021. Collection method: clinical testing. Allele origin: germline. Affected: yes.
Comment: In silico analysis supports that this missense variant has a deleterious effect on protein structure/function; Has not been previously published as pathogenic or benign to our knowledge

NM_005120.3(MED12):c.817C>T (p.Leu273Phe)

Gene: MED12 (mediator complex subunit 12; plus strand). Cytogenetic location: Xq13.1.
Variant type: single nucleotide variant.
Coding change: c.817C>T on transcript NM_005120.3 (MANE Select); coding-DNA position 817, C replaced by T.
Protein change: p.Leu273Phe; replaces leucine 273 with phenylalanine.
Molecular consequence: missense variant.
Genome position (GRCh38, 1-based): chrX:71,121,408, C>T. VCF-style: chrX-71121408-C-T. GRCh37 (hg19) VCF-style: chrX-70341258-C-T.
Other names: short protein forms L273F.
Identifiers: ClinVar variation 654606 (VCV000654606.10), dbSNP rs1219519252, ClinGen allele CA413504027.